The following is an entry in ClinVar:

ClinVar aggregate classification (germline): Benign/Likely benign. Review status: criteria provided, multiple submitters, no conflicts (2 of 4 stars). 3 submissions from 3 submitters: Benign (1); Likely benign (2). Last evaluated 2026-01-22.

Conditions:
Dystonic disorder. Also called: Dystonia. Identifiers: MedGen C0013421, MONDO:0003441, HP:0001332.
Early-onset generalized limb-onset dystonia. Also called: DYSTONIA 1, TORSION, AUTOSOMAL DOMINANT; Dystonia-1, torsion; DYT-TOR1A; Dystonia 1, modifier of; DYSTONIA MUSCULORUM DEFORMANS 1; Early onset torsion dystonia. Identifiers: Orphanet 256, MedGen C1851945, MONDO:0007492, OMIM 128100.

Allele frequency attached by ClinVar (database versions not stated): TOPMed 0.00023; gnomAD 0.00030 and 0.00031; 1000 Genomes Project 30x 0.00031; 1000 Genomes Project 0.00040; ESP Exome Variant Server 0.00062.
gnomAD v4.1: 495 of 1,613,766 alleles (0.031%); highest among the groups gnomAD compares: Middle Eastern, 0.049%; no homozygotes.

Submissions (3):

Labcorp Genetics (formerly Invitae), Labcorp
Classification: Likely benign for Dystonic disorder. Last evaluated: 2026-01-22. Review status: criteria provided, single submitter. Criteria: Invitae Variant Classification Sherloc (09022015). Collection method: clinical testing. Allele origin: germline.

CeGaT Center for Human Genetics Tuebingen
Classification: Likely benign. Last evaluated: 2024-01-01. Review status: criteria provided, single submitter. Criteria: CeGaT Center For Human Genetics Tuebingen Variant Classification Criteria Version 2. Collection method: clinical testing. Allele origin: germline. Affected: yes. Observed: 1 variant allele.
Comment: TOR1A: BP4

Illumina Laboratory Services, Illumina
Classification: Benign for Early-onset generalized limb-onset dystonia. Last evaluated: 2017-11-01. Review status: criteria provided, single submitter. Criteria: ICSL Variant Classification Criteria 13 December 2019. Collection method: clinical testing. Allele origin: germline.
Comment: This variant was observed as part of a predisposition screen in an ostensibly healthy population. A literature search was performed for the gene, cDNA change, and amino acid change (where applicable). Publications were found based on this search. The evidence from the literature, in combination with allele frequency data from public databases where available, was sufficient to rule this variant out of causing disease. Therefore, this variant is classified as benign.

Literature cited by the submitters: PubMed 27477622 (cited by Illumina Laboratory Services, Illumina).

NM_000113.3(TOR1A):c.488C>T (p.Ala163Val)

Gene: TOR1A (torsin family 1 member A; minus strand). Cytogenetic location: 9q34.11.
Variant type: single nucleotide variant.
Coding change: c.488C>T on transcript NM_000113.3 (MANE Select); coding-DNA position 488, C replaced by T.
Protein change: p.Ala163Val; replaces alanine 163 with valine.
Molecular consequence: missense variant.
Genome position (GRCh38, 1-based): chr9:129,818,877, G>A on the plus strand (C>T on the coding strand, the complement: TOR1A is on the minus strand). VCF-style: chr9-129818877-G-A. GRCh37 (hg19) VCF-style: chr9-132581156-G-A.
Other names: short protein forms A163V.
Identifiers: ClinVar variation 408885 (VCV000408885.38), dbSNP rs142909469, ClinGen allele CA5278635.
Genomic context (GRCh38, chr9:129,818,877, plus strand): 5'-ATGGCATCTATGAGGCCTGCATGCATCTTATCCATTTCATCAAATATGAAGATGGACCTC[G>A]CACAGGCACTCACGTTGCCTCGAATCCACAACTGTAACTGATCCTGAATTAAAAGGGGAA-3'
Protein context (NP_000104.1, residues 153-173): LWIRGNVSAC[Ala163Val]RSIFIFDEMD